The following is an entry in ClinVar:

ClinVar aggregate classification (germline): Uncertain significance (1 of 4 stars; one submission).

Conditions:
Hereditary cancer-predisposing syndrome. Also called: Neoplastic Syndromes, Hereditary; Tumor predisposition; Hereditary Cancer Syndrome; Hereditary neoplastic syndrome. Identifiers: Orphanet 140162, MedGen C0027672, MeSH D009386, MONDO:0015356.

Submission:

Ambry Genetics
Classification: Uncertain significance for Hereditary cancer-predisposing syndrome. Last evaluated: 2020-03-02. Review status: criteria provided, single submitter. Criteria: Ambry Variant Classification Scheme 2023. Collection method: clinical testing. Allele origin: germline.
Comment: The p.D1008H variant (also known as c.3022G>C), located in coding exon 21 of the PDGFRA gene, results from a G to C substitution at nucleotide position 3022. The aspartic acid at codon 1008 is replaced by histidine, an amino acid with similar properties. This amino acid position is highly conserved in available vertebrate species. In addition, the in silico prediction for this alteration is inconclusive. Since supporting evidence is limited at this time, the clinical significance of this alteration remains unclear.

NM_006206.6(PDGFRA):c.3022G>C (p.Asp1008His)

Gene: PDGFRA (platelet derived growth factor receptor alpha; plus strand). Cytogenetic location: 4q12.
Variant type: single nucleotide variant.
Coding change: c.3022G>C on transcript NM_006206.6 (MANE Select); coding-DNA position 3022, G replaced by C.
Protein change: p.Asp1008His; replaces aspartic acid 1008 with histidine.
Molecular consequence: missense variant.
Genome position (GRCh38, 1-based): chr4:54,290,454, G>C. VCF-style: chr4-54290454-G-C. GRCh37 (hg19) VCF-style: chr4-55156621-G-C.
Other names: c.3097G>C, p.Asp1033His (NM_001347828.2); c.3022G>C, p.Asp1008His (NM_001347829.2); c.3061G>C, p.Asp1021His (NM_001347830.2); short protein forms D1033H, D1008H, D1021H.
Identifiers: ClinVar variation 1798937 (VCV001798937.2), dbSNP rs2475565873, ClinGen allele CA356896207.